The following is an entry in ClinVar:

NM_003072.5(SMARCA4):c.1174C>T (p.Leu392=)

Gene: SMARCA4 (SWI/SNF related BAF chromatin remodeling complex subunit ATPase 4; plus strand). Cytogenetic location: 19p13.2.
Variant type: single nucleotide variant.
Coding change: c.1174C>T on transcript NM_003072.5 (MANE Select); coding-DNA position 1174, C replaced by T.
Protein change: p.Leu392=; no amino-acid change (leucine 392 retained).
Molecular consequence: synonymous variant. On other transcripts: non-coding transcript variant (1).
Genome position (GRCh38, 1-based): chr19:10,989,372, C>T. VCF-style: chr19-10989372-C-T. GRCh37 (hg19) VCF-style: chr19-11100048-C-T.
Other names: c.1174C>T, p.Leu392= (NM_001128844.3, NM_001128845.2, NM_001128846.2 and 4 more transcripts).
Identifiers: ClinVar variation 818493 (VCV000818493.10), dbSNP rs1599995908, ClinGen allele CA505489894.

ClinVar aggregate classification (germline): Benign/Likely benign. Review status: criteria provided, multiple submitters, no conflicts (2 of 4 stars). 3 submissions from 3 submitters: Benign (1); Likely benign (2). Last evaluated 2026-07-09.

Conditions:
Rhabdoid tumor predisposition syndrome 2 (RTPS2). Identifiers: Orphanet 231108, Orphanet 69077, MedGen C2750074, MONDO:0013224, OMIM 613325.
Hereditary cancer-predisposing syndrome. Also called: Hereditary neoplastic syndrome; Neoplastic Syndromes, Hereditary; Tumor predisposition; Hereditary Cancer Syndrome. Identifiers: Orphanet 140162, MedGen C0027672, MeSH D009386, MONDO:0015356.

Allele frequency attached by ClinVar (database versions not stated): TOPMed below 0.00001; gnomAD exomes 0.00001.

Submissions (3):

Myriad Genetics, Inc.
Classification: Benign for Rhabdoid tumor predisposition syndrome 2. Last evaluated: 2026-07-09. Review status: criteria provided, single submitter. Criteria: Myriad Autosomal Dominant, Autosomal Recessive and X-Linked Classification Criteria (2023). Collection method: clinical testing. Allele origin: unknown.
Comment: This variant is considered benign. This variant is a silent/synonymous amino acid change and it is not expected to impact splicing.

Labcorp Genetics (formerly Invitae), Labcorp
Classification: Likely benign for Rhabdoid tumor predisposition syndrome 2. Last evaluated: 2025-01-23. Review status: criteria provided, single submitter. Criteria: Invitae Variant Classification Sherloc (09022015). Collection method: clinical testing. Allele origin: germline.

Ambry Genetics
Classification: Likely benign for Hereditary cancer-predisposing syndrome. Last evaluated: 2019-09-26. Review status: criteria provided, single submitter. Criteria: Ambry Variant Classification Scheme 2023. Collection method: clinical testing. Allele origin: germline.